The following is an entry in ClinVar:

ClinVar aggregate classification (germline): Uncertain significance (1 of 4 stars; one submission).

Conditions:
Dilated cardiomyopathy 1G (CMD1G). Identifiers: Orphanet 154, MedGen C1858763, MONDO:0011400, OMIM 604145.
Autosomal recessive limb-girdle muscular dystrophy type 2J (LGMDR10). Also called: Limb-girdle muscular dystrophy, type 2J; MUSCULAR DYSTROPHY, LIMB-GIRDLE, AUTOSOMAL RECESSIVE 10. Identifiers: Orphanet 140922, MedGen C1837342, MONDO:0012127, OMIM 608807.

Submission:

Labcorp Genetics (formerly Invitae), Labcorp
Classification: Uncertain significance for Dilated cardiomyopathy 1G; Autosomal recessive limb-girdle muscular dystrophy type 2J. Last evaluated: 2024-05-05. Review status: criteria provided, single submitter. Criteria: Invitae Variant Classification Sherloc (09022015). Collection method: clinical testing. Allele origin: germline.
Comment: This sequence change replaces glutamic acid, which is acidic and polar, with glycine, which is neutral and non-polar, at codon 34310 of the TTN protein (p.Glu34310Gly). This variant is not present in population databases (gnomAD no frequency). This variant has not been reported in the literature in individuals affected with TTN-related conditions. Experimental studies and prediction algorithms are not available or were not evaluated, and the functional significance of this variant is currently unknown. This variant is located in the M band of TTN (PMID: 25589632). Non-truncating variants in this region may be relevant for neuromuscular disorders, but have not been definitively shown to cause cardiomyopathy (PMID: 23975875). In summary, the available evidence is currently insufficient to determine the role of this variant in disease. Therefore, it has been classified as a Variant of Uncertain Significance.

Literature cited by the submitters: PubMed 25589632; PubMed 23975875.

NM_001267550.2(TTN):c.102929A>G (p.Glu34310Gly)

Genes: TTN (titin; minus strand), TTN-AS1 (TTN antisense RNA 1; plus strand). Cytogenetic location: 2q31.2.
Variant type: single nucleotide variant.
Coding change: c.102929A>G on transcript NM_001267550.2 (MANE Select); coding-DNA position 102929, A replaced by G.
Protein change: p.Glu34310Gly; replaces glutamic acid 34310 with glycine.
Molecular consequence: missense variant.
Genome position (GRCh38, 1-based): chr2:178,533,686, T>C on the plus strand (A>G on the coding strand, the complement: TTN is on the minus strand). VCF-style: chr2-178533686-T-C. GRCh37 (hg19) VCF-style: chr2-179398413-T-C.
Other names: c.75734A>G, p.Glu25245Gly (NM_003319.4); c.95225A>G, p.Glu31742Gly (NM_133378.4); c.76109A>G, p.Glu25370Gly (NM_133432.3); c.76310A>G, p.Glu25437Gly (NM_133437.4); c.98006A>G, p.Glu32669Gly (NM_001256850.1); short protein forms E25245G, E25370G, E25437G, E31742G, E32669G, E34310G.
Identifiers: ClinVar variation 3756204 (VCV003756204.2).